The following is an entry in ClinVar:

NM_207391.3(RGS9BP):c.408C>T (p.Leu136=)

Gene: RGS9BP (regulator of G protein signaling 9 binding protein; plus strand). Cytogenetic location: 19q13.11.
Variant type: single nucleotide variant.
Coding change: c.408C>T on transcript NM_207391.3 (MANE Select); coding-DNA position 408, C replaced by T.
Protein change: p.Leu136=; no amino-acid change (leucine 136 retained).
Molecular consequence: synonymous variant.
Genome position (GRCh38, 1-based): chr19:32,676,671, C>T. VCF-style: chr19-32676671-C-T. GRCh37 (hg19) VCF-style: chr19-33167577-C-T.
Identifiers: ClinVar variation 2135192 (VCV002135192.4), dbSNP rs1047537438, ClinGen allele CA506994031.

ClinVar aggregate classification (germline): Uncertain significance (1 of 4 stars; one submission).

Allele frequency attached by ClinVar (database versions not stated): gnomAD exomes below 0.00001.

Submission:

Labcorp Genetics (formerly Invitae), Labcorp
Classification: Uncertain significance. Last evaluated: 2022-05-07. Review status: criteria provided, single submitter. Criteria: Invitae Variant Classification Sherloc (09022015). Collection method: clinical testing. Allele origin: germline.
Comment: This sequence change affects codon 136 of the RGS9BP mRNA. It is a 'silent' change, meaning that it does not change the encoded amino acid sequence of the RGS9BP protein. This variant is not present in population databases (gnomAD no frequency). This variant has not been reported in the literature in individuals affected with RGS9BP-related conditions. In summary, the available evidence is currently insufficient to determine the role of this variant in disease. Therefore, it has been classified as a Variant of Uncertain Significance.